The following is an entry in ClinVar:

NM_001103.4(ACTN2):c.1983C>T (p.Ala661=)

Gene: ACTN2 (actinin alpha 2; plus strand). Cytogenetic location: 1q43.
Variant type: single nucleotide variant.
Coding change: c.1983C>T on transcript NM_001103.4 (MANE Select); coding-DNA position 1983, C replaced by T.
Protein change: p.Ala661=; no amino-acid change (alanine 661 retained).
Molecular consequence: synonymous variant.
Genome position (GRCh38, 1-based): chr1:236,755,027, C>T. VCF-style: chr1-236755027-C-T. GRCh37 (hg19) VCF-style: chr1-236918327-C-T.
Other names: c.1983C>T, p.Ala661= (NM_001278343.2); c.1359C>T, p.Ala453= (NM_001278344.2).
Identifiers: ClinVar variation 463198 (VCV000463198.48), dbSNP rs372137571, ClinGen allele CA1473323.

ClinVar aggregate classification (germline): Likely benign. Review status: criteria provided, multiple submitters, no conflicts (2 of 4 stars). 7 submissions from 7 submitters: Likely benign (7). Last evaluated 2026-02-02.

Conditions:
Cardiomyopathy (CMYO). Also called: Cardiomyopathies. Identifiers: Orphanet 167848, MedGen C0878544, MONDO:0004994, HP:0001638. Inheritance: Various modes of inheritance.
Dilated cardiomyopathy 1AA (CMD1AA). Also called: Cardiomyopathy, dilated, 1AA, with or without LVNC; CARDIOMYOPATHY, DILATED, 1AA, WITH OR WITHOUT LEFT VENTRICULAR NONCOMPACTION; CARDIOMYOPATHY, FAMILIAL HYPERTROPHIC, 23, WITH OR WITHOUT LEFT VENTRICULAR NONCOMPACTION. Identifiers: Orphanet 154, MedGen C2677338, MONDO:0012808, OMIM 612158.
Primary familial hypertrophic cardiomyopathy (HCM). Identifiers: Orphanet 99739, MedGen C0949658, MeSH D024741, MONDO:0024573. Inheritance: Various modes of inheritance.
Cardiovascular phenotype. Identifiers: MedGen CN230736.

Allele frequency attached by ClinVar (database versions not stated): ESP Exome Variant Server 0.00008; ExAC 0.00017; gnomAD exomes 0.00009 and 0.00014; TOPMed 0.00012.
gnomAD v4.1: 146 of 1,614,166 alleles (0.009%); highest among the groups gnomAD compares: Middle Eastern, 0.25%; no homozygotes.

Submissions (7):

Labcorp Genetics (formerly Invitae), Labcorp
Classification: Likely benign for Primary familial hypertrophic cardiomyopathy; Dilated cardiomyopathy 1AA. Last evaluated: 2026-02-02. Review status: criteria provided, single submitter. Criteria: Invitae Variant Classification Sherloc (09022015). Collection method: clinical testing. Allele origin: germline.

Molecular Diagnostic Laboratory for Inherited Cardiovascular Disease, Montreal Heart Institute
Classification: Likely benign. Last evaluated: 2025-04-09. Review status: criteria provided, single submitter. Criteria: ACMG Guidelines, 2015. Collection method: clinical testing. Allele origin: germline. Affected: no.

Blueprint Genetics
Classification: Likely benign. Last evaluated: 2024-02-08. Review status: criteria provided, single submitter. Criteria: ACMG Guidelines, 2015. Collection method: clinical testing. Allele origin: germline.

CeGaT Center for Human Genetics Tuebingen
Classification: Likely benign. Last evaluated: 2023-02-01. Review status: criteria provided, single submitter. Criteria: CeGaT Center For Human Genetics Tuebingen Variant Classification Criteria Version 2. Collection method: clinical testing. Allele origin: germline. Affected: yes. Observed: 1 variant allele.
Comment: ACTN2: BP4, BP7

GeneDx
Classification: Likely benign. Last evaluated: 2020-10-13. Review status: criteria provided, single submitter. Criteria: GeneDx Variant Classification Process June 2021. Collection method: clinical testing. Allele origin: germline. Affected: yes.

CHEO Genetics Diagnostic Laboratory, Children's Hospital of Eastern Ontario
Classification: Likely benign for Cardiomyopathy. Last evaluated: 2020-07-10. Review status: criteria provided, single submitter. Criteria: ACMG Guidelines, 2015. Collection method: clinical testing. Allele origin: germline. Study: Canadian Open Genetics Repository.

Ambry Genetics
Classification: Likely benign for Cardiovascular phenotype. Last evaluated: 2017-11-03. Review status: criteria provided, single submitter. Criteria: Ambry Variant Classification Scheme 2023. Collection method: clinical testing. Allele origin: germline.